The following is an entry in ClinVar:

ClinVar aggregate classification (germline): Uncertain significance (1 of 4 stars; one submission).

Submission:

GeneDx
Classification: Uncertain significance. Last evaluated: 2024-05-09. Review status: criteria provided, single submitter. Criteria: GeneDx Variant Classification Process June 2021. Collection method: clinical testing. Allele origin: germline. Affected: yes.
Comment: Not observed at significant frequency in large population cohorts (gnomAD); In silico analysis indicates that this missense variant does not alter protein structure/function; Has not been previously published as pathogenic or benign to our knowledge

NM_000381.4(MID1):c.1736G>C (p.Arg579Pro)

Genes: MID1 (midline 1; minus strand), LOC126863207 (BRD4-independent group 4 enhancer GRCh37_chrX:10416979-10418178; plus strand). Cytogenetic location: Xp22.2.
Variant type: single nucleotide variant.
Coding change: c.1736G>C on transcript NM_000381.4 (MANE Select); coding-DNA position 1736, G replaced by C.
Protein change: p.Arg579Pro; replaces arginine 579 with proline.
Molecular consequence: missense variant.
Genome position (GRCh38, 1-based): chrX:10,449,636, C>G on the plus strand (G>C on the coding strand, the complement: MID1 is on the minus strand). VCF-style: chrX-10449636-C-G. GRCh37 (hg19) VCF-style: chrX-10417676-C-G.
Other names: c.1736G>C, p.Arg579Pro (NM_001098624.2, NM_001193277.1, NM_001347733.2 and 1 more transcripts); c.1622G>C, p.Arg541Pro (NM_033289.2); short protein forms R541P, R579P.
Identifiers: ClinVar variation 3375690 (VCV003375690.1).